The following is an entry in ClinVar:

NM_000535.7(PMS2):c.804-33dup

Gene: PMS2 (PMS1 homolog 2, mismatch repair system component; minus strand). Cytogenetic location: 7p22.1.
Variant type: Duplication.
Coding change: c.804-33dup on transcript NM_000535.7 (MANE Select); 33 bases into the intron before coding-DNA position 804, one base duplicated (G; older notation c.804-33dupG).
Molecular consequence: intron variant.
Genome position (GRCh38, 1-based): chr7:5,995,666, C duplicated on the plus strand (G on the coding strand, the reverse complement: PMS2 is on the minus strand); the first of 2 consecutive C bases (chr7:5,995,666-5,995,667); duplicating either gives the same sequence. VCF-style (leftmost placement, unchanged base first): chr7-5995665-T-TC. GRCh37 (hg19) VCF-style: chr7-6035296-T-TC.
Other names: c.486-33dup (NM_001322008.2, NM_001406902.1, NM_001406883.1 and 4 more transcripts); c.495-33dup (NM_001406881.1, NM_001406879.1, NM_001322015.2 and 6 more transcripts); c.399-33dup (NM_001406895.1, NM_001322010.2, NM_001322004.2 and 19 more transcripts); c.133-3609dup (NM_001406911.1); c.291-33dup (NM_001406904.1, NM_001406905.1); c.231-33dup (NM_001322013.2, NM_001406909.1); c.-130-33dup (NM_001322012.2, NM_001322011.2); c.468-33dup (NM_001406885.1); and 8 more.
Identifiers: ClinVar variation 3904573 (VCV003904573.1).

ClinVar aggregate classification (germline): Benign (1 of 4 stars; one submission).

Conditions:
Lynch syndrome 4 (LYNCH4). Also called: Colorectal cancer, hereditary nonpolyposis, type 4; Hereditary non-polyposis colorectal cancer, type 4. Identifiers: Orphanet 144, MedGen C1838333, MONDO:0013699, OMIM 614337. Disease mechanism: loss of function.

Submission:

Myriad Genetics, Inc.
Classification: Benign for Lynch syndrome 4. Last evaluated: 2025-01-28. Review status: criteria provided, single submitter. Criteria: Myriad Autosomal Dominant, Autosomal Recessive and X-Linked Classification Criteria (2023). Collection method: clinical testing. Allele origin: unknown.
Comment: This variant is considered benign. This variant is intronic and is not expected to impact mRNA splicing.